The following is an entry in ClinVar:

ClinVar aggregate classification (germline): Likely pathogenic (1 of 4 stars; one submission).

Conditions:
Nephronophthisis 3 (NPHP3). Also called: Adolescent nephronophthisis. Identifiers: Orphanet 655, MedGen C1858392, MONDO:0011456, OMIM 604387.

gnomAD v4.1: 2 of 1,613,274 alleles (0.00012%); highest among the groups gnomAD compares: Non-Finnish European, 0.00017%; no homozygotes.

Submission:

Genome Medical Genetics Lab
Classification: Likely pathogenic for Nephronophthisis 3. Last evaluated: 2025-08-20. Review status: criteria provided, single submitter. Criteria: ACMG Guidelines, 2015. Collection method: clinical testing. Allele origin: germline. Inheritance: Autosomal recessive inheritance. Affected: yes. Observed: 2 homozygotes.
Comment: The NM_153240.5, c.3329+4A>G variant in NPHP3 gene is predicted to cause deleterious effect in splicing of protein in appropriate predicting tools including dbscSNV and spliceAI (PP3). Although this variant is not a canonical splicing variant (occurring at +/- 1 or 2 positions in intron-exon junctions), it is a near-splice variant which could have the potential to affect the splicing machinery. This has been previously shown that another near-splice site variant in this gene causes pathogenic effects (PMID:36878198), which can strengthen the pathogenicity of such variants in this gene. This is highly specific for the Nephronophthisis 3 phenotype (MIM:604387) reported to be associated with NPHP3 pathogenicity (PP4). Segregation analysis revealed cosegregation of the variant (in homozygote status) with disease in two affected members (two sibs) from the same family and carrier status of the parents (PP1). This variant is a novel variant not previously reported in nephronophthisis patients, and shows extreme low frequency, with no reported homozygote individuals in gnomAD population databases (PM2). In summary, this variant meets the criteria to be classified as likely pathogenic for Nephronophthisis, based on the ACMG/AMP guidelines, 2015 (PMID:25741868) criteria applied, as specified by PM2, PP1, PP3 and PP4 rules.

NM_153240.5(NPHP3):c.3329+4A>G

Genes: NPHP3 (nephrocystin 3; minus strand), NPHP3-ACAD11 (NPHP3-ACAD11 readthrough (NMD candidate); minus strand). Cytogenetic location: 3q22.1.
Variant type: single nucleotide variant.
Coding change: c.3329+4A>G on transcript NM_153240.5 (MANE Select); 4 bases into the intron after coding-DNA position 3329, A replaced by G.
Molecular consequence: intron variant.
Genome position (GRCh38, 1-based): chr3:132,686,256, T>C on the plus strand (A>G on the coding strand, the complement: NPHP3 is on the minus strand). VCF-style: chr3-132686256-T-C. GRCh37 (hg19) VCF-style: chr3-132405100-T-C.
Identifiers: ClinVar variation 4681197 (VCV004681197.1).